The following is an entry in ClinVar:

NM_001184.4(ATR):c.3258C>G (p.His1086Gln)

Gene: ATR (ATR checkpoint kinase; minus strand). Cytogenetic location: 3q23.
Variant type: single nucleotide variant.
Coding change: c.3258C>G on transcript NM_001184.4 (MANE Select); coding-DNA position 3258, C replaced by G.
Protein change: p.His1086Gln; replaces histidine 1086 with glutamine.
Molecular consequence: missense variant.
Genome position (GRCh38, 1-based): chr3:142,547,824, G>C on the plus strand (C>G on the coding strand, the complement: ATR is on the minus strand). VCF-style: chr3-142547824-G-C. GRCh37 (hg19) VCF-style: chr3-142266666-G-C.
Other names: c.3066C>G, p.His1022Gln (NM_001354579.2); short protein forms H1022Q, H1086Q.
Identifiers: ClinVar variation 1729481 (VCV001729481.3), dbSNP rs1430936374, ClinGen allele CA354810699.

ClinVar aggregate classification (germline): Uncertain significance (1 of 4 stars; one submission).

Conditions:
Inborn genetic diseases. Identifiers: MedGen C0950123, MeSH D030342.

Submission:

Ambry Genetics
Classification: Uncertain significance for Inborn genetic diseases. Last evaluated: 2022-10-31. Review status: criteria provided, single submitter. Criteria: Ambry Variant Classification Scheme 2023. Collection method: clinical testing. Allele origin: germline.
Comment: The p.H1086Q variant (also known as c.3258C>G), located in coding exon 16 of the ATR gene, results from a C to G substitution at nucleotide position 3258. The histidine at codon 1086 is replaced by glutamine, an amino acid with highly similar properties. This amino acid position is conserved. In addition, this alteration is predicted to be tolerated by in silico analysis. Since supporting evidence is limited at this time, the clinical significance of this alteration remains unclear.